The following is an entry in ClinVar:

ClinVar aggregate classification (germline): Uncertain significance (1 of 4 stars; one submission).

Conditions:
Cardiovascular phenotype. Identifiers: MedGen CN230736.

Allele frequency attached by ClinVar (database versions not stated): TOPMed 0.00001.
gnomAD v4.1: 16 of 1,613,732 alleles (0.00099%); highest among the groups gnomAD compares: East Asian, 0.031%; no homozygotes.

Submission:

Ambry Genetics
Classification: Uncertain significance for Cardiovascular phenotype. Last evaluated: 2019-10-17. Review status: criteria provided, single submitter. Criteria: Ambry Variant Classification Scheme 2023. Collection method: clinical testing. Allele origin: germline.
Comment: The p.A23297V variant (also known as c.69890C>T), located in coding exon 175 of the TTN gene, results from a C to T substitution at nucleotide position 69890. The alanine at codon 23297 is replaced by valine, an amino acid with similar properties. This amino acid position is not well conserved in available vertebrate species. In addition, this alteration is predicted to be tolerated by in silico analysis. Since supporting evidence is limited at this time, the clinical significance of this alteration remains unclear.

NM_001267550.2(TTN):c.97085C>T (p.Ala32362Val)

Genes: TTN (titin; minus strand), TTN-AS1 (TTN antisense RNA 1; plus strand). Cytogenetic location: 2q31.2.
Variant type: single nucleotide variant.
Coding change: c.97085C>T on transcript NM_001267550.2 (MANE Select); coding-DNA position 97085, C replaced by T.
Protein change: p.Ala32362Val; replaces alanine 32362 with valine.
Molecular consequence: missense variant.
Genome position (GRCh38, 1-based): chr2:178,542,769, G>A on the plus strand (C>T on the coding strand, the complement: TTN is on the minus strand). VCF-style: chr2-178542769-G-A. GRCh37 (hg19) VCF-style: chr2-179407496-G-A.
Other names: c.92162C>T, p.Ala30721Val (NM_001256850.1); c.69890C>T, p.Ala23297Val (NM_003319.4); c.89381C>T, p.Ala29794Val (NM_133378.4); c.70265C>T, p.Ala23422Val (NM_133432.3); c.70466C>T, p.Ala23489Val (NM_133437.4); short protein forms A29794V, A23297V, A23489V, A30721V, A32362V, A23422V.
Identifiers: ClinVar variation 1756446 (VCV001756446.2), dbSNP rs773773028, ClinGen allele CA1986632.
Genomic context (GRCh38, chr2:178,542,769, plus strand): 5'-TTCAATTCAAGTGTGTATTCTCCAGTATCTCTGATAGTGGTTTCACGGATGGTTAATTTA[G>A]CTACTTTAGTGTGAGTTTCAACTGTGACACGCTCTGATTCTCTCAGTTTAGAACCAGCAA-3'
Protein context (NP_001254479.2, residues 32352-32372): RVTVETHTKV[Ala32362Val]KLTIRETTIR